The following is an entry in ClinVar:

NM_003742.4(ABCB11):c.2515A>G (p.Met839Val)

Gene: ABCB11 (ATP binding cassette subfamily B member 11; minus strand). Cytogenetic location: 2q31.1.
Variant type: single nucleotide variant.
Coding change: c.2515A>G on transcript NM_003742.4 (MANE Select); coding-DNA position 2515, A replaced by G.
Protein change: p.Met839Val; replaces methionine 839 with valine.
Molecular consequence: missense variant.
Genome position (GRCh38, 1-based): chr2:168,944,700, T>C on the plus strand (A>G on the coding strand, the complement: ABCB11 is on the minus strand). VCF-style: chr2-168944700-T-C. GRCh37 (hg19) VCF-style: chr2-169801210-T-C.
Other names: p.Met839Val; c.2515A>G, p.Met839Val (LRG_1199t1); short protein forms M839V.
Identifiers: ClinVar variation 332027 (VCV000332027.15), dbSNP rs372757355, ClinGen allele CA1951259.

ClinVar aggregate classification (germline): Conflicting classifications of pathogenicity. Review status: criteria provided, conflicting classifications (1 of 4 stars). 4 submissions from 4 submitters: Uncertain significance (3); Likely benign (1). Last evaluated 2026-04-14.

Conditions:
Familial intrahepatic cholestasis. Identifiers: Orphanet 284385, MedGen CN296401, MONDO:0017290.
Progressive familial intrahepatic cholestasis type 2. Identifiers: Orphanet 79304, MedGen C3489789, MONDO:0011156, OMIM 601847.

Allele frequency attached by ClinVar (database versions not stated): gnomAD exomes 0.00006 and 0.00007; TOPMed 0.00007; ExAC 0.00008; ESP Exome Variant Server 0.00008; gnomAD 0.00009; 1000 Genomes Project 0.00020; 1000 Genomes Project 30x 0.00031.
gnomAD v4.1: 118 of 1,612,914 alleles (0.0073%); highest among the groups gnomAD compares: Non-Finnish European, 0.009%; no homozygotes.

Submissions (4):

Genomenon, Inc
Classification: Uncertain significance for Familial intrahepatic cholestasis. Last evaluated: 2026-04-14. Review status: criteria provided, single submitter. Criteria: Genomenon Sequence Variant Interpretation Standards - Updated. Collection method: curation. Allele origin: germline. Affected: yes.
Comment: ABCB11 p.Met839Val (c.2515A>G) is a missense variant that changes the amino acid at residue 839 from Methionine to Valine. This variant has been observed in at least one proband with an ABCB11-related disorder (PMID:32087350). It is absent or not present at a significant frequency in gnomAD. In silico models predict that this variant is possibly or probably damaging. In conclusion, we classify ABCB11 p.Met839Val (c.2515A>G) as a variant of uncertain significance.

Labcorp Genetics (formerly Invitae), Labcorp
Classification: Likely benign. Last evaluated: 2026-01-11. Review status: criteria provided, single submitter. Criteria: Invitae Variant Classification Sherloc (09022015). Collection method: clinical testing. Allele origin: germline.

Mayo Clinic Laboratories, Mayo Clinic
Classification: Uncertain significance. Last evaluated: 2022-08-02. Review status: criteria provided, single submitter. Criteria: ACMG Guidelines, 2015. Collection method: clinical testing. Allele origin: germline. Observed: 1 variant allele.
Comment: PM2

Illumina Laboratory Services, Illumina
Classification: Uncertain significance for Progressive familial intrahepatic cholestasis type 2. Last evaluated: 2018-01-12. Review status: criteria provided, single submitter. Criteria: ICSL Variant Classification Criteria 13 December 2019. Collection method: clinical testing. Allele origin: germline.

Literature cited by the submitters: PubMed 32087350 (cited by Genomenon, Inc).